The following is an entry in ClinVar:

ClinVar aggregate classification (germline): Uncertain significance. Review status: criteria provided, multiple submitters, no conflicts (2 of 4 stars). 2 submissions from 2 submitters: Uncertain significance (2). Last evaluated 2025-04-21.

Conditions:
Autosomal recessive severe congenital neutropenia due to G6PC3 deficiency. Also called: NEUTROPENIA, SEVERE CONGENITAL, 4, AUTOSOMAL RECESSIVE; G6PC3 Deficiency. Identifiers: Orphanet 331176, MedGen C2751630, MONDO:0012930, OMIM 612541.

gnomAD v4.1: 5 of 1,614,162 alleles (0.00031%); highest among the groups gnomAD compares: Non-Finnish European, 0.00042%; no homozygotes.

Submissions (2):

Mayo Clinic Laboratories, Mayo Clinic
Classification: Uncertain significance. Last evaluated: 2025-04-21. Review status: criteria provided, single submitter. Criteria: ACMG Guidelines, 2015. Collection method: clinical testing. Allele origin: germline. Observed: 1 variant allele.

Labcorp Genetics (formerly Invitae), Labcorp
Classification: Uncertain significance for Autosomal recessive severe congenital neutropenia due to G6PC3 deficiency. Last evaluated: 2024-12-16. Review status: criteria provided, single submitter. Criteria: Invitae Variant Classification Sherloc (09022015). Collection method: clinical testing. Allele origin: germline.
Comment: This sequence change replaces leucine, which is neutral and non-polar, with phenylalanine, which is neutral and non-polar, at codon 206 of the G6PC3 protein (p.Leu206Phe). This variant is present in population databases (no rsID available, gnomAD 0.002%). This variant has not been reported in the literature in individuals affected with G6PC3-related conditions. Invitae Evidence Modeling of protein sequence and biophysical properties (such as structural, functional, and spatial information, amino acid conservation, physicochemical variation, residue mobility, and thermodynamic stability) has been performed for this missense variant. However, the output from this modeling did not meet the statistical confidence thresholds required to predict the impact of this variant on G6PC3 protein function. In summary, the available evidence is currently insufficient to determine the role of this variant in disease. Therefore, it has been classified as a Variant of Uncertain Significance.

NM_138387.4(G6PC3):c.616C>T (p.Leu206Phe)

Gene: G6PC3 (glucose-6-phosphatase catalytic subunit 3; plus strand). Cytogenetic location: 17q21.31.
Variant type: single nucleotide variant.
Coding change: c.616C>T on transcript NM_138387.4 (MANE Select); coding-DNA position 616, C replaced by T.
Protein change: p.Leu206Phe; replaces leucine 206 with phenylalanine.
Molecular consequence: missense variant.
Genome position (GRCh38, 1-based): chr17:44,075,390, C>T. VCF-style: chr17-44075390-C-T. GRCh37 (hg19) VCF-style: chr17-42152758-C-T.
Other names: p.Leu206Phe; c.497C>T, p.Pro166Leu (NM_001319945.2); c.271C>T, p.Leu91Phe (NM_001384165.1, NM_001384166.1, NM_001384167.1 and 1 more transcripts); short protein forms P166L, L91F, L206F.
Identifiers: ClinVar variation 3692887 (VCV003692887.3).
Genomic context (GRCh38, chr17:44,075,390, plus strand): 5'-ATGACTCCCCGAGTGCCTATGGAGCGGGAGCTAAGCTTCTATGGGTTGACTGCACTGGCC[C>T]TCATGCTAGGCACCAGCCTCATCTATTGGACCCTCTTTACACTGGGCCTGGATCTTTCTT-3'
Protein context (NP_612396.1, residues 196-216): LSFYGLTALA[Leu206Phe]MLGTSLIYWT